The following is an entry in ClinVar:

ClinVar aggregate classification (germline): Pathogenic (1 of 4 stars; one submission).

Conditions:
Choroideremia. Also called: Chorioretinal scalloped atrophy. Identifiers: Orphanet 180, MedGen C0008525, MONDO:0010557, OMIM 303100, HP:0001139.

Submission:

Hunan Clinical Research Center of Ophthalmic Disease, The Second Xiangya Hospital
Classification: Pathogenic for Choroideremia. Last evaluated: 2016-05-11. Review status: criteria provided, single submitter. Criteria: Submitter's publication. Collection method: research. Allele origin: maternal. Inheritance: X-linked recessive inheritance. Affected: yes. Observed: 1 variant allele, 1 hemizygote.

NM_000390.4(CHM):c.280del (p.Thr94fs)

Gene: CHM (CHM Rab escort protein; minus strand). Cytogenetic location: Xq21.2.
Variant type: Deletion.
Coding change: c.280del on transcript NM_000390.4 (MANE Select); coding-DNA position 280, one base deleted (A; older notation c.280delA).
Protein change: p.Thr94fs; shifts the reading frame from threonine 94.
Molecular consequence: frameshift variant. On other transcripts: 5 prime UTR variant (4).
Genome position (GRCh38, 1-based): chrX:85,978,801, T deleted on the plus strand (A on the coding strand, the reverse complement: CHM is on the minus strand); the first of 4 consecutive T bases (chrX:85,978,801-85,978,804); deleting any one gives the same sequence. VCF-style (leftmost placement, unchanged base first): chrX-85978800-GT-G. GRCh37 (hg19) VCF-style: chrX-85233804-GT-G.
Other names: c.280del (LRG_699t1); c.280del, p.Thr94fs (NM_001145414.4); c.-165del (NM_001320959.1, NM_001362517.1); c.-161del (NM_001362518.2, NM_001362519.1); short protein forms T94fs.
Identifiers: ClinVar variation 440813 (VCV000440813.2), dbSNP rs1555958073, ClinGen allele CA658799816.
Genomic context (GRCh38, chrX:85,978,800, plus strand): 5'-TTTACCTGCAGTAAATACTTTTCATACCTGGCATAACAAAATACTTCCACATGTTGAATA[GT>G]TTTGTCCTTCCTGCTAAGAGCAATGGCTTCTTCATTTTCAAGGATCTGGTCTTGCCACAC-3'